The following is an entry in ClinVar:

ClinVar aggregate classification (germline): Uncertain significance (1 of 4 stars; one submission).

gnomAD v4.1: 7 of 1,611,822 alleles (0.00043%); highest among the groups gnomAD compares: Non-Finnish European, 0.00051%; no homozygotes.

Submission:

Labcorp Genetics (formerly Invitae), Labcorp
Classification: Uncertain significance. Last evaluated: 2022-07-17. Review status: criteria provided, single submitter. Criteria: Invitae Variant Classification Sherloc (09022015). Collection method: clinical testing. Allele origin: germline.
Comment: In summary, the available evidence is currently insufficient to determine the role of this variant in disease. Therefore, it has been classified as a Variant of Uncertain Significance. Algorithms developed to predict the effect of sequence changes on RNA splicing suggest that this variant may create or strengthen a splice site. This variant has not been reported in the literature in individuals affected with AP3D1-related conditions. This variant is present in population databases (rs377692892, gnomAD 0.0009%). This sequence change affects codon 632 of the AP3D1 mRNA. It is a 'silent' change, meaning that it does not change the encoded amino acid sequence of the AP3D1 protein.

NM_001261826.3(AP3D1):c.1896G>C (p.Ser632=)

Gene: AP3D1 (adaptor related protein complex 3 subunit delta 1; minus strand). Cytogenetic location: 19p13.3.
Variant type: single nucleotide variant.
Coding change: c.1896G>C on transcript NM_001261826.3 (MANE Select); coding-DNA position 1896, G replaced by C.
Protein change: p.Ser632=; no amino-acid change (serine 632 retained).
Molecular consequence: synonymous variant.
Genome position (GRCh38, 1-based): chr19:2,116,710, C>G on the plus strand (G>C on the coding strand, the complement: AP3D1 is on the minus strand). VCF-style: chr19-2116710-C-G. GRCh37 (hg19) VCF-style: chr19-2116709-C-G.
Other names: c.1896G>C, p.Ser632= (NM_001374799.1, NM_003938.8).
Identifiers: ClinVar variation 1950547 (VCV001950547.5), dbSNP rs377692892, ClinGen allele CA9059133.